The following is an entry in ClinVar:

NM_000548.5(TSC2):c.4906_4908delinsAAT (p.Asp1636Asn)

Gene: TSC2 (TSC complex subunit 2; plus strand). Cytogenetic location: 16p13.3.
Variant type: Indel.
Coding change: c.4906_4908delinsAAT on transcript NM_000548.5 (MANE Select); coding-DNA positions 4906 to 4908, GAC replaced by AAT.
Protein change: p.Asp1636Asn; replaces aspartic acid 1636 with asparagine.
Molecular consequence: missense variant. On other transcripts: non-coding transcript variant (5).
Genome position (GRCh38, 1-based): chr16:2,086,788-2,086,790, GAC replaced by AAT. VCF-style: chr16-2086788-GAC-AAT. GRCh37 (hg19) VCF-style: chr16-2136789-GAC-AAT.
Other names: c.4705_4707delinsAAT, p.Asp1569Asn (NM_001077183.3); c.4837_4839delinsAAT, p.Asp1613Asn (NM_001114382.3); c.4597_4599delinsAAT, p.Asp1533Asn (NM_001318827.2); c.4561_4563delinsAAT, p.Asp1521Asn (NM_001318829.2); c.4174_4176delinsAAT, p.Asp1392Asn (NM_001318831.2); c.4738_4740delinsAAT, p.Asp1580Asn (NM_001318832.2); c.4708_4710delinsAAT, p.Asp1570Asn (NM_001363528.2); c.4774_4776delinsAAT, p.Asp1592Asn (NM_001370404.1); and 26 more; short protein forms D1035N, D1121N, D1122N, D1144N, D1145N, D1165N, D1369N, D1370N.
Identifiers: ClinVar variation 3379166 (VCV003379166.1).

ClinVar aggregate classification (germline): Likely benign (1 of 4 stars; one submission).

Conditions:
Tuberous sclerosis 2 (TSC2). Identifiers: Orphanet 805, MedGen C1860707, MONDO:0013199, OMIM 613254.

Submission:

Myriad Genetics, Inc.
Classification: Likely benign for Tuberous sclerosis 2. Last evaluated: 2024-08-23. Review status: criteria provided, single submitter. Criteria: Myriad Autosomal Dominant, Autosomal Recessive and X-Linked Classification Criteria (2023). Collection method: clinical testing. Allele origin: unknown.
Comment: This variant is considered likely benign. This variant has been observed at a population frequency that is significantly greater than expected given the associated disease prevalence and penetrance.